The following is an entry in ClinVar:

NM_005629.4(SLC6A8):c.1713C>G (p.Cys571Trp)

Gene: SLC6A8 (solute carrier family 6 member 8; plus strand). Cytogenetic location: Xq28.
Variant type: single nucleotide variant.
Coding change: c.1713C>G on transcript NM_005629.4 (MANE Select); coding-DNA position 1713, C replaced by G.
Protein change: p.Cys571Trp; replaces cysteine 571 with tryptophan.
Molecular consequence: missense variant.
Genome position (GRCh38, 1-based): chrX:153,694,835, C>G. VCF-style: chrX-153694835-C-G. GRCh37 (hg19) VCF-style: chrX-152960290-C-G.
Other names: c.1683C>G, p.Cys561Trp (NM_001142805.2); c.1368C>G, p.Cys456Trp (NM_001142806.1); short protein forms C456W, C571W, C561W.
Identifiers: ClinVar variation 1478075 (VCV001478075.8), dbSNP rs782244505, ClinGen allele CA415090914.

ClinVar aggregate classification (germline): Uncertain significance (1 of 4 stars; one submission).

Conditions:
Creatine transporter deficiency (CCDS1). Also called: Mental retardation , X-linked with seizures, short stature and midface hypoplasia; Mental retardation , X-linked, with creatine transport deficiency; X-linked creatine transporter deficiency; X-linked creatine deficiency syndrome; SLC6A8-Related Creatine Transporter Deficiency; CREATINE TRANSPORTER DEFECT. Identifiers: Orphanet 52503, MedGen C1845862, MONDO:0010305, OMIM 300352.

gnomAD v4.1: 1 of 1,207,372 alleles (0.000083%); highest among the groups gnomAD compares: African/African-American, 0.0017%; no homozygotes.

Submission:

Labcorp Genetics (formerly Invitae), Labcorp
Classification: Uncertain significance for Creatine transporter deficiency. Last evaluated: 2022-11-22. Review status: criteria provided, single submitter. Criteria: Invitae Variant Classification Sherloc (09022015). Collection method: clinical testing. Allele origin: germline.
Comment: This sequence change replaces cysteine, which is neutral and slightly polar, with tryptophan, which is neutral and slightly polar, at codon 571 of the SLC6A8 protein (p.Cys571Trp). This variant is not present in population databases (gnomAD no frequency). This variant has not been reported in the literature in individuals affected with SLC6A8-related conditions. ClinVar contains an entry for this variant (Variation ID: 1478075). Advanced modeling of protein sequence and biophysical properties (such as structural, functional, and spatial information, amino acid conservation, physicochemical variation, residue mobility, and thermodynamic stability) performed at Invitae indicates that this missense variant is not expected to disrupt SLC6A8 protein function. In summary, the available evidence is currently insufficient to determine the role of this variant in disease. Therefore, it has been classified as a Variant of Uncertain Significance.